The following is an entry in ClinVar:

ClinVar aggregate classification (germline): Uncertain significance. Review status: criteria provided, multiple submitters, no conflicts (2 of 4 stars). 3 submissions from 3 submitters: Uncertain significance (2). 1 of the submissions does not count toward it. Last evaluated 2025-08-09.

Conditions:
LYST-related disorder. Also called: LYST-related condition.
Inborn genetic diseases. Identifiers: MedGen C0950123, MeSH D030342.
Chédiak-Higashi syndrome (CHS). Also called: Chediak-Higashi Syndrome. Identifiers: Orphanet 167, MedGen C0007965, MONDO:0008963, OMIM 214500.

Allele frequency attached by ClinVar (database versions not stated): TOPMed below 0.00001; ExAC 0.00002; gnomAD 0.00002; gnomAD exomes 0.00002.

Submissions (3):

Ambry Genetics
Classification: Uncertain significance for Inborn genetic diseases. Last evaluated: 2025-08-09. Review status: criteria provided, single submitter. Criteria: Ambry Variant Classification Scheme 2023. Collection method: clinical testing. Allele origin: germline.

Labcorp Genetics (formerly Invitae), Labcorp
Classification: Uncertain significance for Chédiak-Higashi syndrome. Last evaluated: 2021-08-28. Review status: criteria provided, single submitter. Criteria: Invitae Variant Classification Sherloc (09022015). Collection method: clinical testing. Allele origin: germline.
Comment: This sequence change replaces aspartic acid with asparagine at codon 3223 of the LYST protein (p.Asp3223Asn). The aspartic acid residue is moderately conserved and there is a small physicochemical difference between aspartic acid and asparagine. This variant is present in population databases (rs762153468, ExAC 0.003%). This variant has not been reported in the literature in individuals affected with LYST-related conditions. Algorithms developed to predict the effect of missense changes on protein structure and function are either unavailable or do not agree on the potential impact of this missense change (SIFT: "Tolerated"; PolyPhen-2: "Probably Damaging"; Align-GVGD: "Class C0"). In summary, the available evidence is currently insufficient to determine the role of this variant in disease. Therefore, it has been classified as a Variant of Uncertain Significance.

PreventionGenetics, part of Exact Sciences
Classification: Uncertain significance for LYST-related condition. Last evaluated: 2024-05-01. Review status: no assertion criteria provided. Collection method: clinical testing. Allele origin: germline. Not counted in ClinVar's aggregate classification.
Comment: The LYST c.9667G>A variant is predicted to result in the amino acid substitution p.Asp3223Asn. To our knowledge, this variant has not been reported in the literature. This variant is reported in 0.0031% of alleles in individuals of European (Non-Finnish) descent in gnomAD. At this time, the clinical significance of this variant is uncertain due to the absence of conclusive functional and genetic evidence.

NM_000081.4(LYST):c.9667G>A (p.Asp3223Asn)

Gene: LYST (lysosomal trafficking regulator; minus strand). Cytogenetic location: 1q42.3.
Variant type: single nucleotide variant.
Coding change: c.9667G>A on transcript NM_000081.4 (MANE Select); coding-DNA position 9667, G replaced by A.
Protein change: p.Asp3223Asn; replaces aspartic acid 3223 with asparagine.
Molecular consequence: missense variant.
Genome position (GRCh38, 1-based): chr1:235,715,318, C>T on the plus strand (G>A on the coding strand, the complement: LYST is on the minus strand). VCF-style: chr1-235715318-C-T. GRCh37 (hg19) VCF-style: chr1-235878618-C-T.
Other names: c.9667G>A, p.Asp3223Asn (NM_001301365.1); c.9667G>A (NM_000081.2); short protein forms D3223N.
Identifiers: ClinVar variation 947888 (VCV000947888.7), dbSNP rs762153468, ClinGen allele CA1465516.